The following is an entry in ClinVar:

NM_000478.6(ALPL):c.871G>A (p.Glu291Lys)

Gene: ALPL (alkaline phosphatase, biomineralization associated; plus strand). Cytogenetic location: 1p36.12.
Variant type: single nucleotide variant.
Coding change: c.871G>A on transcript NM_000478.6 (MANE Select); coding-DNA position 871, G replaced by A.
Protein change: p.Glu291Lys; replaces glutamic acid 291 with lysine.
Molecular consequence: missense variant.
Genome position (GRCh38, 1-based): chr1:21,573,673, G>A. VCF-style: chr1-21573673-G-A. GRCh37 (hg19) VCF-style: chr1-21900166-G-A.
Other names: c.706G>A, p.Glu236Lys (NM_001127501.4); c.640G>A, p.Glu214Lys (NM_001177520.3); c.871G>A, p.Glu291Lys (NM_001369803.2, NM_001369804.2, NM_001369805.2); short protein forms E291K, E236K, E214K.
Identifiers: ClinVar variation 188792 (VCV000188792.15), dbSNP rs786204473, ClinGen allele CA273965.

ClinVar aggregate classification (germline): Pathogenic/Likely pathogenic. Review status: criteria provided, multiple submitters, no conflicts (2 of 4 stars). 7 submissions from 7 submitters: Pathogenic (4); Likely pathogenic (2). 1 of the submissions does not count toward it. Last evaluated 2025-10-21.

Conditions:
Infantile hypophosphatasia. Identifiers: Orphanet 247651, Orphanet 436, MedGen C0268412, MONDO:1010169, OMIM 241500, MONDO:0009427.
Adult hypophosphatasia. Identifiers: Orphanet 247676, Orphanet 436, MedGen C0268413, MONDO:1010154, OMIM 146300, MONDO:0007798.
Childhood hypophosphatasia. Identifiers: Orphanet 247667, Orphanet 436, MedGen C0220743, MONDO:1010168, OMIM 241510, MONDO:0009428.
Hypophosphatasia. Also called: Phosphoethanol-aminuria. Identifiers: Orphanet 436, MedGen C0020630, MeSH D007014, MONDO:0018570.

Allele frequency attached by ClinVar (database versions not stated): gnomAD exomes below 0.00001; TOPMed 0.00002.
gnomAD v4.1: 2 of 1,613,774 alleles (0.00012%); highest among the groups gnomAD compares: Non-Finnish European, 0.00017%; no homozygotes.

Submissions (7):

Women's Health and Genetics/Laboratory Corporation of America, LabCorp
Classification: Pathogenic for Hypophosphatasia. Last evaluated: 2025-10-21. Review status: criteria provided, single submitter. Criteria: LabCorp Variant Classification Summary - May 2015. Collection method: clinical testing. Allele origin: germline.
Comment: Variant summary: ALPL c.871G>A (p.Glu291Lys) results in a conservative amino acid change in the encoded protein sequence. Algorithms developed to predict the effect of missense changes on protein structure and function are either unavailable or do not agree on the potential impact of this missense change. The frequency data for this variant in gnomAD is considered unreliable, as metrics indicate poor data quality at this position. c.871G>A has been observed in individuals affected with Hypophosphatasia, including patients who were compound heterozygous with other variants and those that were heterozygous and showed an autosomal dominant inheritance (e.g., Mornet_1998, Litmanovitz_2002, Lv_2021, Calmarza_2023). These data indicate that the variant is likely to be associated with disease. At least one publication reports experimental evidence evaluating an impact on protein function. The most pronounced variant effect results in <10% of normal activity (Del Angel_2020). The following publications have been ascertained in the context of this evaluation (PMID: 9781036, 32160374, 34557487, 11999978, 37351650). ClinVar contains an entry for this variant (Variation ID: 188792). Based on the evidence outlined above, the variant was classified as pathogenic for Hypophosphatasia, Autosomal Dominant, and Hypophosphatasia, Autosomal Recessive.

Genomenon, Inc
Classification: Pathogenic for Hypophosphatasia. Last evaluated: 2025-08-29. Review status: criteria provided, single submitter. Criteria: Genomenon Sequence Variant Interpretation Standards. Collection method: curation. Allele origin: germline. Affected: yes.
Comment: ALPL c.871G>A is a missense variant that changes the amino acid at residue 291 from Glutamic acid to Lysine. This variant has been observed in at least one proband affected with hypophosphatasia (PMID:39450343;38884565;32066479;26783040;11999978;9781036). At least one functional study has demonstrated a substantial alteration in protein function relative to the wild-type (PMID:32160374;10332035). It is absent or not present at a significant frequency in gnomAD. In silico models agree that this variant is possibly or probably damaging. In conclusion, we classify ALPL p.Glu291Lys (c.871G>A) as a pathogenic variant.

Labcorp Genetics (formerly Invitae), Labcorp
Classification: Pathogenic. Last evaluated: 2025-08-06. Review status: criteria provided, single submitter. Criteria: Invitae Variant Classification Sherloc (09022015). Collection method: clinical testing. Allele origin: germline.
Comment: This sequence change replaces glutamic acid, which is acidic and polar, with lysine, which is basic and polar, at codon 291 of the ALPL protein (p.Glu291Lys). This variant is not present in population databases (gnomAD no frequency). This missense change has been observed in individual(s) with hypophosphatasia (PMID: 9781036, 28127875, 32160374). This variant is also known as p.Glu274Lys. ClinVar contains an entry for this variant (Variation ID: 188792). Invitae Evidence Modeling of protein sequence and biophysical properties (such as structural, functional, and spatial information, amino acid conservation, physicochemical variation, residue mobility, and thermodynamic stability) indicates that this missense variant is expected to disrupt ALPL protein function with a positive predictive value of 95%. Experimental studies have shown that this missense change affects ALPL function (PMID: 32160374). For these reasons, this variant has been classified as Pathogenic.

GeneDx
Classification: Pathogenic. Last evaluated: 2024-11-13. Review status: criteria provided, single submitter. Criteria: GeneDx Variant Classification Process June 2021. Collection method: clinical testing. Allele origin: germline. Affected: yes.
Comment: Identified with a second ALPL variant in an additional patient with childhood hypophosphatasia in published literature, however, clinical information was limited (PMID: 34557487); Identified in additional patients with low alkaline phosphatase in published literature, however, detailed information was not available (PMID: 28127875, 39450343); Published functional studies demonstrate a damaging effect on enzymatic activity (PMID: 32160374, 37422472, 10332035); Not observed at significant frequency in large population cohorts (gnomAD); In silico analysis supports that this missense variant has a deleterious effect on protein structure/function; This variant is associated with the following publications: (PMID: 35241128, 32066479, 35320273, 32160374, 37422472, 34247368, 9781036, 39450343, 28127875, 10332035, 11999978, 26783040, 34557487)

ARUP Laboratories, Molecular Genetics and Genomics, ARUP Laboratories
Classification: Likely pathogenic. Last evaluated: 2022-03-11. Review status: criteria provided, single submitter. Criteria: ARUP Molecular Germline Variant Investigation Process 2021. Collection method: clinical testing. Allele origin: germline.
Comment: The ALPL c.871G>A; p.Glu291Lys, variant (rs), also known as E274K, is reported in the literature in individuals affected with infantile HPP who also carried additional variants pathogenic variants of ALPL (Mornet 1998, Del Angel 2020 and Tao 2021). In vitro functional analyses of the p.Glu291Lys demonstrate minimal phosphatase activity consistent with other pathogenic variants of ALPL (Del Angel 2020). This variant is also absent from general population databases (Exome Variant Server, Genome Aggregation Database), indicating it is not a common polymorphism. Based on available information, this variant is considered to be likely pathogenic. References: Mornet E et al. Identification of fifteen novel mutations in the tissue-nonspecific alkaline phosphatase (TNSALP) gene in European patients with severe hypophosphatasia. Eur J Hum Genet. Jul-Aug 1998;6(4):308-14. PMID: 9781036 Del Angel G et al. Large-scale in vitro functional testing and novel variant scoring via protein modeling provide insights into alkaline phosphatase activity in hypophosphatasia. Hum Mutat. 2020 Tao D et al. [Genetic analysis of two couples with a history of multiple fetal malformations]. Zhonghua Yi Xue Yi Chuan Xue Za Zhi. 2021 Jul 10;38(7):643-646. PMID: 34247368 [Article in Chinese]

Juno Genomics, Hangzhou Juno Genomics, Inc
Classification: Likely pathogenic for Adult hypophosphatasia; Childhood hypophosphatasia; Infantile hypophosphatasia. Review status: criteria provided, single submitter. Criteria: ACMG Guidelines, 2015. Collection method: clinical testing. Allele origin: germline.
Comment: Absent from controls (or at extremely low frequency if recessive) in Genome Aggregation Database.;For recessive disorders, detected in trans with a pathogenic variant.;Patient's phenotype or family history is highly specific for a disease with a single genetic etiology.;Well-established in vitro or in vivo functional studies supportive of a damaging effect on the gene or gene product.

Counsyl
Classification: Likely pathogenic for Infantile hypophosphatasia. Last evaluated: 2014-05-20. Review status: no assertion criteria provided. Collection method: literature only. Allele origin: unknown. Inheritance: Autosomal recessive inheritance. Not counted in ClinVar's aggregate classification.

Literature cited by the submitters: PubMed 32160374 (cited by 3 submitters); PubMed 9781036 (cited by 4 submitters); PubMed 34557487 (cited by Women's Health and Genetics/Laboratory Corporation of America, LabCorp); PubMed 37351650 (cited by Women's Health and Genetics/Laboratory Corporation of America, LabCorp); PubMed 11999978 (cited by 3 submitters); PubMed 39450343 (cited by Genomenon, Inc); PubMed 38884565 (cited by Genomenon, Inc); PubMed 32066479 (cited by Genomenon, Inc); PubMed 26783040 (cited by Genomenon, Inc); PubMed 10332035 (cited by Genomenon, Inc and Counsyl); PubMed 28127875 (cited by Labcorp Genetics (formerly Invitae), Labcorp).